The following is an entry in ClinVar:

ClinVar aggregate classification (germline): Conflicting classifications of pathogenicity. Review status: criteria provided, conflicting classifications (1 of 4 stars). 8 submissions from 8 submitters: Uncertain significance (1); Benign (1); Likely benign (5). 1 of the submissions does not count toward it. Last evaluated 2026-01-28.

Conditions:
Hereditary cancer-predisposing syndrome. Also called: Tumor predisposition; Neoplastic Syndromes, Hereditary; Hereditary neoplastic syndrome; Hereditary Cancer Syndrome. Identifiers: Orphanet 140162, MedGen C0027672, MeSH D009386, MONDO:0015356.
Lymphangiomyomatosis (LAM). Also called: Lymphangioleiomyomatosis; Lymphangioleiomyomatosis, somatic. Identifiers: Orphanet 538, MedGen C0751674, MONDO:0011705, OMIM 606690.
Tuberous sclerosis 1 (TSC1). Identifiers: Orphanet 805, MedGen C1854465, MONDO:0008612, OMIM 191100.
Isolated focal cortical dysplasia type II (FCORD2). Also called: CORTICAL DYSPLASIA OF TAYLOR; Focal cortical dysplasia type II. Identifiers: Orphanet 268994, MedGen C1846385, MONDO:0011818, OMIM 607341, HP:0032051.
Tuberous sclerosis syndrome (TSC). Also called: Tuberous Sclerosis Complex; Tuberous sclerosis. Identifiers: Orphanet 805, MedGen C0041341, MONDO:0001734.

Allele frequency attached by ClinVar (database versions not stated): 1000 Genomes Project 0.00040; gnomAD exomes 0.00044 and 0.00036; TOPMed 0.00012; gnomAD 0.00014 and 0.00019; 1000 Genomes Project 30x 0.00031; ExAC 0.00049.
gnomAD v4.1: 557 of 1,611,646 alleles (0.035%); highest among the groups gnomAD compares: South Asian, 0.27%; 4 homozygotes.

Submissions (8):

Labcorp Genetics (formerly Invitae), Labcorp
Classification: Benign for Tuberous sclerosis 1. Last evaluated: 2026-01-28. Review status: criteria provided, single submitter. Criteria: Invitae Variant Classification Sherloc (09022015). Collection method: clinical testing. Allele origin: germline.

Blueprint Genetics
Classification: Likely benign. Last evaluated: 2024-09-25. Review status: criteria provided, single submitter. Criteria: ACMG Guidelines, 2015. Collection method: clinical testing. Allele origin: germline.

KCCC/NGS Laboratory, Kuwait Cancer Control Center
Classification: Likely benign for Tuberous sclerosis 1. Last evaluated: 2023-07-07. Review status: criteria provided, single submitter. Criteria: ACMG Guidelines, 2015. Collection method: clinical testing. Allele origin: germline. Affected: yes.

Department of Pathology and Laboratory Medicine, Sinai Health System
Classification: Likely benign for tuberous sclerosis. Last evaluated: 2022-07-26. Review status: criteria provided, single submitter. Criteria: ACMG Guidelines, 2015. Collection method: clinical testing. Allele origin: germline. Affected: no.

Fulgent Genetics
Classification: Likely benign for Tuberous sclerosis 1; Lymphangiomyomatosis; Isolated focal cortical dysplasia type II. Last evaluated: 2022-05-31. Review status: criteria provided, single submitter. Criteria: ACMG Guidelines, 2015. Collection method: clinical testing. Allele origin: unknown.

GeneDx
Classification: Likely benign. Last evaluated: 2016-12-23. Review status: criteria provided, single submitter. Criteria: GeneDx Variant Classification (06012015). Collection method: clinical testing. Allele origin: germline. Affected: yes.
Comment: This variant is considered likely benign or benign based on one or more of the following criteria: it is a conservative change, it occurs at a poorly conserved position in the protein, it is predicted to be benign by multiple in silico algorithms, and/or has population frequency not consistent with disease.

Ambry Genetics
Classification: Uncertain significance for Hereditary cancer-predisposing syndrome. Last evaluated: 2015-10-13. Review status: criteria provided, single submitter. Criteria: Ambry Variant Classification Scheme 2023. Collection method: clinical testing. Allele origin: germline.
Comment: The c.1333+13C>T intronic alteration consists of a C to T substitution 3 nucleotides after coding exon 11 in the TSC1 gene. Based on insufficient or conflicting evidence, the clinical significance of this alteration remains unclear.

Tuberous sclerosis database (TSC1)
No classification provided. Condition: TSC. Review status: no classification provided. Criteria: Tuberous Sclerosis Database Assertion Criteria 2015. Collection method: curation. Allele origin: germline. Affected: yes. Not counted in ClinVar's aggregate classification.

NM_000368.5(TSC1):c.1333+13C>T

Gene: TSC1 (TSC complex subunit 1; minus strand). Cytogenetic location: 9q34.13.
Variant type: single nucleotide variant.
Coding change: c.1333+13C>T on transcript NM_000368.5 (MANE Select); 13 bases into the intron after coding-DNA position 1333, C replaced by T.
Molecular consequence: intron variant.
Genome position (GRCh38, 1-based): chr9:132,907,288, G>A on the plus strand (C>T on the coding strand, the complement: TSC1 is on the minus strand). VCF-style: chr9-132907288-G-A. GRCh37 (hg19) VCF-style: chr9-135782675-G-A.
Other names: c.970+13C>T (NM_001362177.2); c.1180+13C>T (NM_001162427.2); c.1330+13C>T (NM_001162426.2).
Identifiers: ClinVar variation 48764 (VCV000048764.12), dbSNP rs118203516, ClinGen allele CA004654.
Genomic context (GRCh38, chr9:132,907,288, plus strand): 5'-ACTTTCTTTTCTTAAACACATATAACCCAATTAGAAGAGGCAAGCAAGGCCTGTAGTAAC[G>A]CAGAAATTTTACCTGATCCTCTGTCATTCAGAAGATGGTGTTGTCTGTGTAGACATGGTC-3'